The following is an entry in ClinVar:

NM_001849.4(COL6A2):c.857G>A (p.Gly286Glu)

Gene: COL6A2 (collagen type VI alpha 2 chain; plus strand). Cytogenetic location: 21q22.3.
Variant type: single nucleotide variant.
Coding change: c.857G>A on transcript NM_001849.4 (MANE Select); coding-DNA position 857, G replaced by A.
Protein change: p.Gly286Glu; replaces glycine 286 with glutamic acid.
Molecular consequence: missense variant.
Genome position (GRCh38, 1-based): chr21:46,116,010, G>A. VCF-style: chr21-46116010-G-A. GRCh37 (hg19) VCF-style: chr21-47535924-G-A.
Other names: c.857G>A, p.Gly286Glu (NM_058174.3, NM_058175.3); short protein forms G286E.
Identifiers: ClinVar variation 162532 (VCV000162532.15), dbSNP rs727502827, ClinGen allele CA295264.

ClinVar aggregate classification (germline): Pathogenic/Likely pathogenic. Review status: criteria provided, multiple submitters, no conflicts (2 of 4 stars). 2 submissions from 2 submitters: Pathogenic (1); Likely pathogenic (1). Last evaluated 2025-01-23.

Conditions:
Bethlem myopathy 1A. Also called: Bethlem Muscular Dystrophy; MYOPATHY, BENIGN CONGENITAL, WITH CONTRACTURES; Bethlem myopathy 1. Identifiers: Orphanet 610, MedGen CN029274, MONDO:0024530, OMIM 158810.

Submissions (2):

Labcorp Genetics (formerly Invitae), Labcorp
Classification: Pathogenic for Bethlem myopathy 1A. Last evaluated: 2025-01-23. Review status: criteria provided, single submitter. Criteria: Invitae Variant Classification Sherloc (09022015). Collection method: clinical testing. Allele origin: germline.
Comment: This sequence change replaces glycine, which is neutral and non-polar, with glutamic acid, which is acidic and polar, at codon 286 of the COL6A2 protein (p.Gly286Glu). This variant is not present in population databases (gnomAD no frequency). This missense change has been observed in individual(s) with Ullrich congenital muscular dystrophy (PMID: 29419890). In at least one individual the variant was observed to be de novo. ClinVar contains an entry for this variant (Variation ID: 162532). An algorithm developed to predict the effect of missense changes on protein structure and function (PolyPhen-2) suggests that this variant is likely to be disruptive. This variant disrupts the triple helix domain of COL6A2. Glycine residues within the Gly-Xaa-Yaa repeats of the triple helix domain are required for the structure and stability of fibrillar collagens (PMID: 7695699, 8218237, 19344236). In COL6A2, missense variants at these glycine residues are significantly enriched in individuals with autosomal dominant disease (PMID: 15689448, 24038877) compared to the general population (ExAC). For these reasons, this variant has been classified as Pathogenic.

Eurofins Ntd Llc (ga)
Classification: Likely pathogenic. Last evaluated: 2016-08-18. Review status: criteria provided, single submitter. Criteria: EGL Classification Definitions 2015. Collection method: clinical testing. Allele origin: germline. Observed: 1 variant allele, 1 heterozygote.

Literature cited by the submitters: PubMed 29419890 (cited by Labcorp Genetics (formerly Invitae), Labcorp); PubMed 7695699 (cited by Labcorp Genetics (formerly Invitae), Labcorp); PubMed 8218237 (cited by Labcorp Genetics (formerly Invitae), Labcorp); PubMed 19344236 (cited by Labcorp Genetics (formerly Invitae), Labcorp); PubMed 15689448 (cited by Labcorp Genetics (formerly Invitae), Labcorp); PubMed 24038877 (cited by Labcorp Genetics (formerly Invitae), Labcorp).